The following is an entry in ClinVar:

NM_174936.4(PCSK9):c.1150G>A (p.Gly384Arg)

Gene: PCSK9 (proprotein convertase subtilisin/kexin type 9; plus strand). Cytogenetic location: 1p32.3.
Variant type: single nucleotide variant.
Coding change: c.1150G>A on transcript NM_174936.4 (MANE Select); coding-DNA position 1150, G replaced by A.
Protein change: p.Gly384Arg; replaces glycine 384 with arginine.
Molecular consequence: missense variant. On other transcripts: non-coding transcript variant (8).
Genome position (GRCh38, 1-based): chr1:55,057,484, G>A. VCF-style: chr1-55057484-G-A. GRCh37 (hg19) VCF-style: chr1-55523157-G-A.
Other names: c.1273G>A, p.Gly425Arg (NM_001407240.1); c.1150G>A, p.Gly384Arg (NM_001407241.1, NM_001407244.1, NM_001407247.1); c.1153G>A, p.Gly385Arg (NM_001407242.1); c.1093G>A, p.Gly365Arg (NM_001407243.1); c.958G>A, p.Gly320Arg (NM_001407245.1); c.775G>A, p.Gly259Arg (NM_001407246.1); short protein forms G259R, G320R, G365R, G384R, G385R, G425R.
Identifiers: ClinVar variation 4757219 (VCV004757219.1).
Genomic context (GRCh38, chr1:55,057,484, plus strand): 5'-CCAGGGGAGGACATCATTGGTGCCTCCAGCGACTGCAGCACCTGCTTTGTGTCACAGAGT[G>A]GGACATCACAGGCTGCTGCCCACGTGGCTGGTAAGTCACCACCCCACTGCCTCGGCCACC-3'
Protein context (NP_777596.2, residues 374-394): DCSTCFVSQS[Gly384Arg]TSQAAAHVAG

ClinVar aggregate classification (germline): Uncertain significance (1 of 4 stars; one submission).

Conditions:
Familial hypercholesterolemia. Also called: Familial hypercholesterolaemia. Identifiers: MedGen C0020445, MONDO:0005439.

Submission:

Color Diagnostics, LLC DBA Color Health
Classification: Uncertain significance for Familial hypercholesterolemia. Last evaluated: 2025-06-23. Review status: criteria provided, single submitter. Criteria: ACMG Guidelines, 2015. Collection method: clinical testing. Allele origin: germline.
Comment: This missense variant replaces glycine with arginine at codon 384 of the PCSK9 protein. Computational prediction suggests that this variant may have deleterious impact on protein structure and function. To our knowledge, functional studies have not been reported for this variant. This variant has not been reported in individuals affected with PCSK9-related disorders in the literature. This variant has not been identified in the general population by the Genome Aggregation Database (gnomAD). The available evidence is insufficient to determine the role of this variant in disease conclusively. Therefore, this variant is classified as a Variant of Uncertain Significance.